The following is an entry in ClinVar:

ClinVar aggregate classification (germline): Pathogenic (1 of 4 stars; one submission).

Conditions:
RYR1-related disorder. Also called: RYR1-related condition; RYR1-related disorders. Identifiers: MedGen CN239331.

Submission:

Labcorp Genetics (formerly Invitae), Labcorp
Classification: Pathogenic for RYR1-related disorder. Last evaluated: 2023-06-20. Review status: criteria provided, single submitter. Criteria: Invitae Variant Classification Sherloc (09022015). Collection method: clinical testing. Allele origin: germline.
Comment: For these reasons, this variant has been classified as Pathogenic. This variant has not been reported in the literature in individuals affected with RYR1-related conditions. This variant is not present in population databases (gnomAD no frequency). This sequence change creates a premature translational stop signal (p.Ser2590Tyrfs*173) in the RYR1 gene. It is expected to result in an absent or disrupted protein product. Loss-of-function variants in RYR1 are known to be pathogenic (PMID: 23919265, 25960145, 28818389, 30611313).

Literature cited by the submitters: PubMed 23919265; PubMed 25960145; PubMed 28818389; PubMed 30611313.

NM_000540.3(RYR1):c.7719_7768dup (p.Ser2590fs)

Gene: RYR1 (ryanodine receptor 1; plus strand). Cytogenetic location: 19q13.2.
Variant type: Duplication.
Coding change: c.7719_7768dup on transcript NM_000540.3 (MANE Select); coding-DNA positions 7719 to 7768, 50 bases duplicated.
Protein change: p.Ser2590fs; shifts the reading frame from serine 2590.
Molecular consequence: frameshift variant.
Genome position (GRCh38, 1-based): chr19:38,502,611-38,502,660, 50 bases duplicated. GRCh37 (hg19): chr19:38,993,251-38,993,300.
Other names: c.7719_7768dup, p.Ser2590fs (NM_001042723.2); short protein forms S2590fs.
Identifiers: ClinVar variation 2719720 (VCV002719720.3), dbSNP rs2514333859, ClinGen allele CA2697556551.